The following is an entry in ClinVar:

ClinVar aggregate classification (germline): Pathogenic/Likely pathogenic. Review status: criteria provided, multiple submitters, no conflicts (2 of 4 stars). 2 submissions from 2 submitters: Pathogenic (1); Likely pathogenic (1). Last evaluated 2023-09-05.

Conditions:
Parathyroid carcinoma (PRTC). Also called: CDC73-Related Parathyroid Carcinoma; Parathyroid gland carcinoma. Identifiers: Orphanet 143, MedGen C0687150, MONDO:0012004, OMIM 608266, HP:0006780.
CDC73-related disorder. Also called: CDC73-related disorders; CDC73-related condition. Identifiers: MedGen CN169292.

Submissions (2):

Labcorp Genetics (formerly Invitae), Labcorp
Classification: Pathogenic for Parathyroid carcinoma. Last evaluated: 2023-09-05. Review status: criteria provided, single submitter. Criteria: Invitae Variant Classification Sherloc (09022015). Collection method: clinical testing. Allele origin: germline.
Comment: For these reasons, this variant has been classified as Pathogenic. This variant has not been reported in the literature in individuals affected with CDC73-related conditions. This variant is not present in population databases (gnomAD no frequency). This sequence change creates a premature translational stop signal (p.Lys15*) in the CDC73 gene. It is expected to result in an absent or disrupted protein product. Loss-of-function variants in CDC73 are known to be pathogenic (PMID: 12434154).

Blueprint Genetics
Classification: Likely pathogenic for CDC73-related disorders. Last evaluated: 2021-11-01. Review status: criteria provided, single submitter. Criteria: ACMG Guidelines, 2015. Collection method: clinical testing. Allele origin: germline. Affected: yes. Observed: 1 variant allele.

Literature cited by the submitters: PubMed 12434154 (cited by Labcorp Genetics (formerly Invitae), Labcorp).

NM_024529.5(CDC73):c.43A>T (p.Lys15Ter)

Gene: CDC73 (cell division cycle 73; plus strand). Cytogenetic location: 1q31.2.
Variant type: single nucleotide variant.
Coding change: c.43A>T on transcript NM_024529.5 (MANE Select); coding-DNA position 43, A replaced by T.
Protein change: p.Lys15Ter; replaces lysine 15 with a stop codon.
Molecular consequence: nonsense.
Genome position (GRCh38, 1-based): chr1:193,122,243, A>T. VCF-style: chr1-193122243-A-T. GRCh37 (hg19) VCF-style: chr1-193091373-A-T.
Other names: short protein forms K15*.
Identifiers: ClinVar variation 2758093 (VCV002758093.4), dbSNP rs2527280954, ClinGen allele CA343972812.
Genomic context (GRCh38, chr1:193,122,243, plus strand): 5'-GAGGCGAGGGGGGGGAAGATGGCGGACGTGCTTAGCGTCCTGCGACAGTACAACATCCAG[A>T]AGAAGGAGATTGTGGTGAAGGGAGACGAAGTGATCTTCGGGGAGTTCTCCTGGCCCAAGA-3'